The following is an entry in ClinVar:

ClinVar aggregate classification (germline): Conflicting classifications of pathogenicity. Review status: criteria provided, conflicting classifications (1 of 4 stars). 8 submissions from 8 submitters: Uncertain significance (3); Benign (1); Likely benign (2). 2 of the submissions do not count toward it. Last evaluated 2025-07-21.

Conditions:
Cardiovascular phenotype. Identifiers: MedGen CN230736.
Long QT syndrome (LQTS). Identifiers: MedGen C0023976, MeSH D008133, MONDO:0002442. Disease mechanism: loss of function. Inheritance: Various modes of inheritance.
Cardiac arrhythmia, ankyrin-B-related. Also called: ANKYRIN-B SYNDROME. Identifiers: Orphanet 101016, Orphanet 768, MedGen C1970119, MONDO:0010958, OMIM 600919.

Allele frequency attached by ClinVar (database versions not stated): gnomAD exomes 0.00005 and 0.00007; TOPMed 0.00005; gnomAD 0.00006; ExAC 0.00008; ESP Exome Variant Server 0.00015.
gnomAD v4.1: 81 of 1,613,810 alleles (0.005%); highest among the groups gnomAD compares: Middle Eastern, 0.016%; no homozygotes.

Submissions (8):

Labcorp Genetics (formerly Invitae), Labcorp
Classification: Benign for Long QT syndrome. Last evaluated: 2025-07-21. Review status: criteria provided, single submitter. Criteria: Invitae Variant Classification Sherloc (09022015). Collection method: clinical testing. Allele origin: germline.

Blueprint Genetics
Classification: Likely benign. Last evaluated: 2024-11-08. Review status: criteria provided, single submitter. Criteria: ACMG Guidelines, 2015. Collection method: clinical testing. Allele origin: germline.

GeneDx
Classification: Uncertain significance. Last evaluated: 2024-03-27. Review status: criteria provided, single submitter. Criteria: GeneDx Variant Classification Process June 2021. Collection method: clinical testing. Allele origin: germline. Affected: yes.
Comment: Identified in an individual with restrictive cardiomyopathy (RCM) (PMID: 27662471); Located in exon 38, which is reported as being expressed in a brain-specific transcript (PMID: 1830053, 18790697, 26109584); In silico analysis supports that this missense variant does not alter protein structure/function; This variant is associated with the following publications: (PMID: 27662471, 1830053, 18790697, 26109584, 28831623)

Fulgent Genetics
Classification: Uncertain significance for Cardiac arrhythmia, ankyrin-B-related. Last evaluated: 2021-09-29. Review status: criteria provided, single submitter. Criteria: ACMG Guidelines, 2015. Collection method: clinical testing. Allele origin: unknown.

Ambry Genetics
Classification: Likely benign for Cardiovascular phenotype. Last evaluated: 2019-11-20. Review status: criteria provided, single submitter. Criteria: Ambry Variant Classification Scheme 2023. Collection method: clinical testing. Allele origin: germline.

Illumina Laboratory Services, Illumina
Classification: Uncertain significance for Cardiac arrhythmia, ankyrin-B-related. Last evaluated: 2018-01-13. Review status: criteria provided, single submitter. Criteria: ICSL Variant Classification Criteria 13 December 2019. Collection method: clinical testing. Allele origin: germline.

Genome Diagnostics Laboratory, University Medical Center Utrecht
Classification: Likely benign. Review status: no assertion criteria provided. Collection method: clinical testing. Allele origin: germline. Affected: yes. Study: VKGL Data-share Consensus. Not counted in ClinVar's aggregate classification.

Joint Genome Diagnostic Labs from Nijmegen and Maastricht, Radboudumc and MUMC+
Classification: Likely benign. Review status: no assertion criteria provided. Collection method: clinical testing. Allele origin: germline. Affected: yes. Study: VKGL Data-share Consensus. Not counted in ClinVar's aggregate classification.

NM_001148.6(ANK2):c.6143A>G (p.Gln2048Arg)

Genes: ANK2 (ankyrin 2; plus strand), LOC126807136 (MED14-independent group 3 enhancer GRCh37_chr4:114274931-114276130; plus strand). Cytogenetic location: 4q26.
Variant type: single nucleotide variant.
Coding change: c.6143A>G on transcript NM_001148.6 (MANE Select); coding-DNA position 6143, A replaced by G.
Protein change: p.Gln2048Arg; replaces glutamine 2048 with arginine.
Molecular consequence: missense variant. On other transcripts: intron variant (68).
Genome position (GRCh38, 1-based): chr4:113,354,761, A>G. VCF-style: chr4-113354761-A-G. GRCh37 (hg19) VCF-style: chr4-114275917-A-G.
Other names: c.5909A>G, p.Gln1970Arg (NM_001386142.1); c.2543A>G, p.Gln848Arg (NM_001386166.1); c.6284A>G, p.Gln2095Arg (NM_001386174.1); c.6260A>G, p.Gln2087Arg (NM_001386175.1); c.4411+4512A>G (NM_001386186.2, NM_001386148.2); c.4213+4512A>G (NM_001354269.3); c.4291+4512A>G (NM_001386187.2); c.4252+4512A>G (NM_001386147.1); and 35 more; short protein forms Q2048R, Q1970R, Q2087R, Q2095R, Q848R.
Identifiers: ClinVar variation 526975 (VCV000526975.17), dbSNP rs201628725, ClinGen allele CA3051371.